The following is an entry in ClinVar:

ClinVar aggregate classification (germline): Pathogenic (1 of 4 stars; one submission).

Submission:

Labcorp Genetics (formerly Invitae), Labcorp
Classification: Pathogenic. Last evaluated: 2021-01-25. Review status: criteria provided, single submitter. Criteria: Invitae Variant Classification Sherloc (09022015). Collection method: clinical testing. Allele origin: germline.
Comment: This sequence change creates a premature translational stop signal (p.Cys281*) in the PAFAH1B1 gene. It is expected to result in an absent or disrupted protein product. Loss-of-function variants in PAFAH1B1 are known to be pathogenic (PMID: 1671808, 11115846, 14581661). This variant is not present in population databases (ExAC no frequency). This variant has not been reported in the literature in individuals with PAFAH1B1-related conditions. For these reasons, this variant has been classified as Pathogenic.

Literature cited by the submitters: PubMed 1671808; PubMed 11115846; PubMed 14581661.

NM_000430.4(PAFAH1B1):c.843C>A (p.Cys281Ter)

Gene: PAFAH1B1 (platelet activating factor acetylhydrolase 1b regulatory subunit 1; plus strand). Cytogenetic location: 17p13.3.
Variant type: single nucleotide variant.
Coding change: c.843C>A on transcript NM_000430.4 (MANE Select); coding-DNA position 843, C replaced by A.
Protein change: p.Cys281Ter; replaces cysteine 281 with a stop codon.
Molecular consequence: nonsense.
Genome position (GRCh38, 1-based): chr17:2,674,231, C>A. VCF-style: chr17-2674231-C-A. GRCh37 (hg19) VCF-style: chr17-2577525-C-A.
Other names: short protein forms C281*.
Identifiers: ClinVar variation 1404337 (VCV001404337.6), dbSNP rs2151667999, ClinGen allele CA397641983.